The following is an entry in ClinVar:

ClinVar aggregate classification (germline): Uncertain significance (1 of 4 stars; one submission).

Conditions:
Nephronophthisis 18 (NPHP18). Identifiers: Orphanet 655, MedGen C3890591, MONDO:0014374, OMIM 615862.

Allele frequency attached by ClinVar (database versions not stated): gnomAD 0.00001.
gnomAD v4.1: 2 of 1,613,528 alleles (0.00012%); highest among the groups gnomAD compares: Admixed American, 0.0017%; no homozygotes.

Submission:

Labcorp Genetics (formerly Invitae), Labcorp
Classification: Uncertain significance for Nephronophthisis 18. Last evaluated: 2022-11-01. Review status: criteria provided, single submitter. Criteria: Invitae Variant Classification Sherloc (09022015). Collection method: clinical testing. Allele origin: germline.
Comment: This sequence change replaces leucine, which is neutral and non-polar, with phenylalanine, which is neutral and non-polar, at codon 203 of the CEP83 protein (p.Leu203Phe). This variant is not present in population databases (gnomAD no frequency). This variant has not been reported in the literature in individuals affected with CEP83-related conditions. Advanced modeling of protein sequence and biophysical properties (such as structural, functional, and spatial information, amino acid conservation, physicochemical variation, residue mobility, and thermodynamic stability) performed at Invitae indicates that this missense variant is not expected to disrupt CEP83 protein function. In summary, the available evidence is currently insufficient to determine the role of this variant in disease. Therefore, it has been classified as a Variant of Uncertain Significance.

NM_016122.3(CEP83):c.607C>T (p.Leu203Phe)

Gene: CEP83 (centrosomal protein 83; minus strand). Cytogenetic location: 12q22.
Variant type: single nucleotide variant.
Coding change: c.607C>T on transcript NM_016122.3 (MANE Select); coding-DNA position 607, C replaced by T.
Protein change: p.Leu203Phe; replaces leucine 203 with phenylalanine.
Molecular consequence: missense variant. On other transcripts: non-coding transcript variant (3).
Genome position (GRCh38, 1-based): chr12:94,378,985, G>A on the plus strand (C>T on the coding strand, the complement: CEP83 is on the minus strand). VCF-style: chr12-94378985-G-A. GRCh37 (hg19) VCF-style: chr12-94772761-G-A.
Other names: c.607C>T, p.Leu203Phe (NM_001042399.2, NM_001346457.2, NM_001346460.2 and 3 more transcripts); c.295C>T, p.Leu99Phe (NM_001346458.2, NM_001346459.2, NM_001346462.2 and 2 more transcripts); c.382C>T, p.Leu128Phe (NM_001368041.1); c.70C>T, p.Leu24Phe (NM_001368042.1); short protein forms L128F, L203F, L99F, L24F.
Identifiers: ClinVar variation 1899926 (VCV001899926.2), dbSNP rs1474228719, ClinGen allele CA386147010.